The following is an entry in ClinVar:

NM_001005273.3(CHD3):c.4381C>T (p.Arg1461Cys)

Gene: CHD3 (chromodomain helicase DNA binding protein 3; plus strand). Cytogenetic location: 17p13.1.
Variant type: single nucleotide variant.
Coding change: c.4381C>T on transcript NM_001005273.3 (MANE Select); coding-DNA position 4381, C replaced by T.
Protein change: p.Arg1461Cys; replaces arginine 1461 with cysteine.
Molecular consequence: missense variant.
Genome position (GRCh38, 1-based): chr17:7,906,575, C>T. VCF-style: chr17-7906575-C-T. GRCh37 (hg19) VCF-style: chr17-7809893-C-T.
Other names: c.4558C>T, p.Arg1520Cys (NM_001005271.3); c.4381C>T, p.Arg1461Cys (NM_005852.4); short protein forms R1461C, R1520C.
Identifiers: ClinVar variation 1805193 (VCV001805193.1), dbSNP rs745707523, ClinGen allele CA8363360.

ClinVar aggregate classification (germline): Uncertain significance (1 of 4 stars; one submission).

Conditions:
Snijders Blok-Campeau syndrome. Also called: INTELLECTUAL DEVELOPMENTAL DISORDER WITH MACROCEPHALY, SPEECH DELAY, AND DYSMORPHIC FACIES. Identifiers: Orphanet 599082, MedGen C4748701, MONDO:0032600, OMIM 618205.

Allele frequency attached by ClinVar (database versions not stated): gnomAD exomes below 0.00001; ExAC 0.00001.
gnomAD v4.1: 1 of 1,613,964 alleles (0.000062%); highest among the groups gnomAD compares: South Asian, 0.0011%; no homozygotes.

Submission:

Victorian Clinical Genetics Services, Murdoch Childrens Research Institute
Classification: Uncertain significance for Snijders Blok-Campeau syndrome. Last evaluated: 2020-06-11. Review status: criteria provided, single submitter. Criteria: ACMG Guidelines, 2015. Collection method: clinical testing. Allele origin: germline. Inheritance: Autosomal dominant inheritance. Affected: yes.
Comment: Based on the classification scheme VCGS_Germline_v1.1.1, this variant is classified as 3C-VUS. Following criteria are met: 0103 - Both loss- and gain-of-function are known mechanisms of disease for this gene. Functional analysis showed missense variants resulted in both loss- and gain-of-function of the encoded protein (PMID:30397230). (N) 0107 - This gene is known to be associated with autosomal dominant disease. (N) 0200 - Variant is predicted to result in a missense amino acid change from arginine to cysteine (exon 29). (N) 0251 - Variant is heterozygous. (N) 0302 - Variant is present in gnomAD <0.001 for a dominant condition (1 heterozygote, 0 homozygotes). (P) 0501 - Missense variant consistently predicted to be damaging by multiple in silico tools and is highly conserved with a major amino acid change. (P) 0600 - Variant is located in an annotated domain or motif (DUF1086 domain; PDB, NCBI). (N) 0705 - No comparable variants have previous evidence for pathogenicity. (N) 0807 - Variant has not previously been reported in a clinical context. (N) 0905 - No segregation evidence has been identified for this variant. (N) 1007 - No published functional evidence has been identified for this variant. (N) Legend: (P) - Pathogenic, (N) - Neutral, (B) - Benign

Literature cited by the submitters: PubMed 30397230.